The following is an entry in ClinVar:

NM_014855.3(AP5Z1):c.725C>T (p.Ala242Val)

Gene: AP5Z1 (adaptor related protein complex 5 subunit zeta 1; plus strand). Cytogenetic location: 7p22.1.
Variant type: single nucleotide variant.
Coding change: c.725C>T on transcript NM_014855.3 (MANE Select); coding-DNA position 725, C replaced by T.
Protein change: p.Ala242Val; replaces alanine 242 with valine.
Molecular consequence: missense variant. On other transcripts: non-coding transcript variant (1).
Genome position (GRCh38, 1-based): chr7:4,784,306, C>T. VCF-style: chr7-4784306-C-T. GRCh37 (hg19) VCF-style: chr7-4823937-C-T.
Other names: c.257C>T, p.Ala86Val (NM_001364858.1); short protein forms A242V, A86V.
Identifiers: ClinVar variation 1058631 (VCV001058631.6), dbSNP rs781388706, ClinGen allele CA4137335.

ClinVar aggregate classification (germline): Uncertain significance (1 of 4 stars; one submission).

Conditions:
Hereditary spastic paraplegia 48. Also called: Spastic paraplegia 48; SPASTIC PARAPLEGIA 48, AUTOSOMAL RECESSIVE. Identifiers: Orphanet 306511, MedGen C3150901, MONDO:0013342, OMIM 613647.

gnomAD v4.1: 21 of 1,602,458 alleles (0.0013%); highest among the groups gnomAD compares: East Asian, 0.011%; no homozygotes.

Submission:

Labcorp Genetics (formerly Invitae), Labcorp
Classification: Uncertain significance for Hereditary spastic paraplegia 48. Last evaluated: 2021-09-01. Review status: criteria provided, single submitter. Criteria: Invitae Variant Classification Sherloc (09022015). Collection method: clinical testing. Allele origin: germline.
Comment: This sequence change replaces alanine with valine at codon 242 of the AP5Z1 protein (p.Ala242Val). The alanine residue is moderately conserved and there is a small physicochemical difference between alanine and valine. This variant is present in population databases (rs781388706, ExAC 0.02%). This variant has not been reported in the literature in individuals affected with AP5Z1-related conditions. Algorithms developed to predict the effect of missense changes on protein structure and function output the following: SIFT: "Deleterious"; PolyPhen-2: "Benign"; Align-GVGD: "Class C0". The valine amino acid residue is found in multiple mammalian species, which suggests that this missense change does not adversely affect protein function. Algorithms developed to predict the effect of sequence changes on RNA splicing suggest that this variant may create or strengthen a splice site. In summary, the available evidence is currently insufficient to determine the role of this variant in disease. Therefore, it has been classified as a Variant of Uncertain Significance.